The following is an entry in ClinVar:

NM_000082.4(ERCC8):c.1023A>T (p.Val341=)

Gene: ERCC8 (ERCC excision repair 8, CSA ubiquitin ligase complex subunit; minus strand). Cytogenetic location: 5q12.1.
Variant type: single nucleotide variant.
Coding change: c.1023A>T on transcript NM_000082.4 (MANE Select); coding-DNA position 1023, A replaced by T.
Protein change: p.Val341=; no amino-acid change (valine 341 retained).
Molecular consequence: synonymous variant.
Genome position (GRCh38, 1-based): chr5:60,890,907, T>A on the plus strand (A>T on the coding strand, the complement: ERCC8 is on the minus strand). VCF-style: chr5-60890907-T-A. GRCh37 (hg19) VCF-style: chr5-60186734-T-A.
Other names: c.849A>T, p.Val283= (NM_001007233.3); c.564A>T, p.Val188= (NM_001290285.2).
Identifiers: ClinVar variation 753657 (VCV000753657.11), dbSNP rs138173863, ClinGen allele CA3277659.
Genomic context (GRCh38, chr5:60,890,907, plus strand): 5'-AGCTAGCTAGCTGAACATTTTAAATTCCTGTATCACTCTTACCTGGAAATTTGACTGAAA[T>A]ACACAGCAGTCAACAGTTTTATAATGTCCCTTAAGCATAGTTATCTGTTCTCCTGAGTAA-3'
Protein context (NP_000073.1, residues 331-351): KGHYKTVDCC[Val341=]FQSNFQELYS

ClinVar aggregate classification (germline): Likely benign. Review status: criteria provided, multiple submitters, no conflicts (2 of 4 stars). 2 submissions from 2 submitters: Likely benign (2). Last evaluated 2026-07-01.

Allele frequency attached by ClinVar (database versions not stated): TOPMed 0.00003.
gnomAD v4.1: 43 of 1,613,196 alleles (0.0027%); highest among the groups gnomAD compares: Middle Eastern, 0.049%; 1 homozygote.

Submissions (2):

CeGaT Center for Human Genetics Tuebingen
Classification: Likely benign. Last evaluated: 2026-07-01. Review status: criteria provided, single submitter. Criteria: CeGaT Center For Human Genetics Tuebingen Variant Classification Criteria Version 2. Collection method: clinical testing. Allele origin: germline. Affected: yes. Observed: 1 variant allele.
Comment: ERCC8: BP4, BP7

Labcorp Genetics (formerly Invitae), Labcorp
Classification: Likely benign. Last evaluated: 2024-02-08. Review status: criteria provided, single submitter. Criteria: Invitae Variant Classification Sherloc (09022015). Collection method: clinical testing. Allele origin: germline.